The following is an entry in ClinVar:

ClinVar aggregate classification (germline): Likely benign. Review status: criteria provided, multiple submitters, no conflicts (2 of 4 stars). 5 submissions from 5 submitters: Likely benign (5). Last evaluated 2026-08-01.

Conditions:
Cerebellar dysfunction with variable cognitive and behavioral abnormalities (CECBA). Also called: Nonprogressive cerebellar atxia with intellectual disability. Identifiers: Orphanet 314647, MedGen C3553661, MONDO:0013886, OMIM 614756.

Allele frequency attached by ClinVar (database versions not stated): ESP Exome Variant Server 0.00108; 1000 Genomes Project 30x 0.00109; 1000 Genomes Project 0.00120; gnomAD exomes 0.00128 and 0.00166; ExAC 0.00129; gnomAD 0.00131 and 0.00137; TOPMed 0.00132.
gnomAD v4.1: 2,612 of 1,613,292 alleles (0.16%); highest among the groups gnomAD compares: Non-Finnish European, 0.2%; 5 homozygotes.

Submissions (5):

CeGaT Center for Human Genetics Tuebingen
Classification: Likely benign. Last evaluated: 2026-08-01. Review status: criteria provided, single submitter. Criteria: CeGaT Center For Human Genetics Tuebingen Variant Classification Criteria Version 2. Collection method: clinical testing. Allele origin: germline. Affected: yes. Observed: 10 variant alleles.
Comment: CAMTA1: BS1

Labcorp Genetics (formerly Invitae), Labcorp
Classification: Likely benign. Last evaluated: 2026-01-12. Review status: criteria provided, single submitter. Criteria: Invitae Variant Classification Sherloc (09022015). Collection method: clinical testing. Allele origin: germline.

Blueprint Genetics
Classification: Likely benign. Last evaluated: 2024-11-22. Review status: criteria provided, single submitter. Criteria: ACMG Guidelines, 2015. Collection method: clinical testing. Allele origin: germline.

Fulgent Genetics
Classification: Likely benign for Cerebellar dysfunction with variable cognitive and behavioral abnormalities. Last evaluated: 2021-10-14. Review status: criteria provided, single submitter. Criteria: ACMG Guidelines, 2015. Collection method: clinical testing. Allele origin: unknown.

Center for Pediatric Genomic Medicine, Children's Mercy Hospital and Clinics
Classification: Likely benign. Last evaluated: 2016-11-07. Review status: criteria provided, single submitter. Criteria: ACMG Guidelines, 2015. Collection method: clinical testing. Allele origin: germline.
ClinVar note: Converted during submission from Likely Benign to Likely benign.

NM_015215.4(CAMTA1):c.1955C>T (p.Ser652Leu)

Gene: CAMTA1 (calmodulin binding transcription activator 1; plus strand). Cytogenetic location: 1p36.23.
Variant type: single nucleotide variant.
Coding change: c.1955C>T on transcript NM_015215.4 (MANE Select); coding-DNA position 1955, C replaced by T.
Protein change: p.Ser652Leu; replaces serine 652 with leucine.
Molecular consequence: missense variant.
Genome position (GRCh38, 1-based): chr1:7,664,502, C>T. VCF-style: chr1-7664502-C-T. GRCh37 (hg19) VCF-style: chr1-7724562-C-T.
Other names: c.1865C>T, p.Ser622Leu (NM_001349608.2, NM_001349612.2); c.1955C>T, p.Ser652Leu (NM_001349609.2, NM_001349610.2); short protein forms S652L, S622L.
Identifiers: ClinVar variation 377146 (VCV000377146.38), dbSNP rs144242373, ClinGen allele CA566538.
Genomic context (GRCh38, chr1:7,664,502, plus strand): 5'-ACAGCAGCCTGAGTGACTCTGGGGGCACCTTCGTGATGCCCACGGTGAAAACGGAGGCCT[C>T]GTCCCAAACCAGCTCCTGCAGCGGTCACGTGGAGACGCGGATCGAGTCCACTTCCTCCCT-3'
Protein context (NP_056030.1, residues 642-662): FVMPTVKTEA[Ser652Leu]SQTSSCSGHV